The following is an entry in ClinVar:

ClinVar aggregate classification (germline): Likely benign (0 of 4 stars; one submission).

Conditions:
GLI3-related disorder. Also called: GLI3-related disorders; GLI3-related condition. Identifiers: MedGen CN239292.

Allele frequency attached by ClinVar (database versions not stated): gnomAD exomes 0.00001.
gnomAD v4.1: 12 of 1,614,142 alleles (0.00074%); highest among the groups gnomAD compares: Non-Finnish European, 0.001%; no homozygotes.

Submission:

PreventionGenetics, part of Exact Sciences
Classification: Likely benign for GLI3-related condition. Last evaluated: 2023-04-12. Review status: no assertion criteria provided. Collection method: clinical testing. Allele origin: germline.
Comment: This variant is classified as likely benign based on ACMG/AMP sequence variant interpretation guidelines (Richards et al. 2015 PMID: 25741868, with internal and published modifications).

NM_000168.6(GLI3):c.4620G>A (p.Thr1540=)

Gene: GLI3 (GLI family zinc finger 3; minus strand). Cytogenetic location: 7p14.1.
Variant type: single nucleotide variant.
Coding change: c.4620G>A on transcript NM_000168.6 (MANE Select); coding-DNA position 4620, G replaced by A.
Protein change: p.Thr1540=; no amino-acid change (threonine 1540 retained).
Molecular consequence: synonymous variant.
Genome position (GRCh38, 1-based): chr7:41,964,453, C>T on the plus strand (G>A on the coding strand, the complement: GLI3 is on the minus strand). VCF-style: chr7-41964453-C-T. GRCh37 (hg19) VCF-style: chr7-42004051-C-T.
Identifiers: ClinVar variation 3043643 (VCV003043643.2), dbSNP rs1480518255, ClinGen allele CA454656201.
Genomic context (GRCh38, chr7:41,964,453, plus strand): 5'-CCCGATAGCCATGTTGGTGGTGCTCATGGACAGCGCTGGGAATGGGAGGGACGCCCGAGG[C>T]GTGGTGAGGCGGGAGGAGCTATGGGAAAGGTTCTGAATGATACTTGGGCTCAGGGCCCCC-3'
Protein context (NP_000159.3, residues 1530-1550): NLSHSSSRLT[Thr1540=]PRASLPFPAL